The following is an entry in ClinVar:

ClinVar aggregate classification (germline): Likely pathogenic (1 of 4 stars; one submission).

Submission:

Labcorp Genetics (formerly Invitae), Labcorp
Classification: Likely pathogenic. Last evaluated: 2024-01-04. Review status: criteria provided, single submitter. Criteria: Invitae Variant Classification Sherloc (09022015). Collection method: clinical testing. Allele origin: germline.
Comment: This sequence change affects an acceptor splice site in intron 12 of the HPS1 gene. It is expected to disrupt RNA splicing. Variants that disrupt the donor or acceptor splice site typically lead to a loss of protein function (PMID: 16199547), and loss-of-function variants in HPS1 are known to be pathogenic (PMID: 12442288, 16185271). This variant is not present in population databases (gnomAD no frequency). This variant has not been reported in the literature in individuals affected with HPS1-related conditions. ClinVar contains an entry for this variant (Variation ID: 2001943). Algorithms developed to predict the effect of sequence changes on RNA splicing suggest that this variant may disrupt the consensus splice site. In summary, the currently available evidence indicates that the variant is pathogenic, but additional data are needed to prove that conclusively. Therefore, this variant has been classified as Likely Pathogenic.

Literature cited by the submitters: PubMed 16199547; PubMed 12442288; PubMed 16185271.

NM_000195.5(HPS1):c.1156-1G>A

Gene: HPS1 (HPS1 biogenesis of lysosomal organelles complex 3 subunit 1; minus strand). Cytogenetic location: 10q24.2.
Variant type: single nucleotide variant.
Coding change: c.1156-1G>A on transcript NM_000195.5 (MANE Select); the canonical splice acceptor site of the intron before coding-DNA position 1156, G replaced by A.
Molecular consequence: splice acceptor variant.
Genome position (GRCh38, 1-based): chr10:98,425,721, C>T on the plus strand (G>A on the coding strand, the complement: HPS1 is on the minus strand). VCF-style: chr10-98425721-C-T. GRCh37 (hg19) VCF-style: chr10-100185478-C-T.
Other names: c.787-1G>A (NM_001322483.2, NM_001322484.2); c.895-1G>A (NM_001322480.2, NM_001322481.2); c.1057-1G>A (NM_001322478.2, NM_001322479.2); c.1156-1G>A (NM_001322476.2, NM_001322477.2); c.688-1G>A (NM_001322485.2); c.796-1G>A (NM_001322482.2); c.184-1G>A (NM_001322489.2, NM_001311345.2, NM_001322487.2).
Identifiers: ClinVar variation 2001943 (VCV002001943.4), dbSNP rs2538835331, ClinGen allele CA378047943.